The following is an entry in ClinVar:

NM_020937.4(FANCM):c.2889C>G (p.Phe963Leu)

Gene: FANCM (FA complementation group M; plus strand). Cytogenetic location: 14q21.2.
Variant type: single nucleotide variant.
Coding change: c.2889C>G on transcript NM_020937.4 (MANE Select); coding-DNA position 2889, C replaced by G.
Protein change: p.Phe963Leu; replaces phenylalanine 963 with leucine.
Molecular consequence: missense variant.
Genome position (GRCh38, 1-based): chr14:45,175,643, C>G. VCF-style: chr14-45175643-C-G. GRCh37 (hg19) VCF-style: chr14-45644846-C-G.
Other names: c.2811C>G, p.Phe937Leu (NM_001308133.2); short protein forms F937L, F963L.
Identifiers: ClinVar variation 2087207 (VCV002087207.4), dbSNP rs544323144, ClinGen allele CA389599401.

ClinVar aggregate classification (germline): Uncertain significance (1 of 4 stars; one submission).

Conditions:
Fanconi anemia (FA). Also called: Fanconi's anemia. Identifiers: Orphanet 84, MedGen C0015625, MeSH D005199, MONDO:0019391.

Submission:

Labcorp Genetics (formerly Invitae), Labcorp
Classification: Uncertain significance for Fanconi anemia. Last evaluated: 2022-01-17. Review status: criteria provided, single submitter. Criteria: Invitae Variant Classification Sherloc (09022015). Collection method: clinical testing. Allele origin: germline.
Comment: In summary, the available evidence is currently insufficient to determine the role of this variant in disease. Therefore, it has been classified as a Variant of Uncertain Significance. Algorithms developed to predict the effect of missense changes on protein structure and function output the following: SIFT: "Tolerated"; PolyPhen-2: "Benign"; Align-GVGD: "Class C0". The leucine amino acid residue is found in multiple mammalian species, which suggests that this missense change does not adversely affect protein function. This variant has not been reported in the literature in individuals affected with FANCM-related conditions. This variant is not present in population databases (gnomAD no frequency). This sequence change replaces phenylalanine, which is neutral and non-polar, with leucine, which is neutral and non-polar, at codon 963 of the FANCM protein (p.Phe963Leu).